The following is an entry in ClinVar:

NM_000642.3(AGL):c.1437C>A (p.Tyr479Ter)

Gene: AGL (amylo-alpha-1,6-glucosidase and 4-alpha-glucanotransferase; plus strand). Cytogenetic location: 1p21.2.
Variant type: single nucleotide variant.
Coding change: c.1437C>A on transcript NM_000642.3 (MANE Select); coding-DNA position 1437, C replaced by A.
Protein change: p.Tyr479Ter; replaces tyrosine 479 with a stop codon.
Molecular consequence: nonsense.
Genome position (GRCh38, 1-based): chr1:99,877,654, C>A. VCF-style: chr1-99877654-C-A. GRCh37 (hg19) VCF-style: chr1-100343210-C-A.
Other names: c.1437C>A, p.Tyr479Ter (NM_000028.3, NM_000643.3, NM_000644.3 and 2 more transcripts); c.1389C>A, p.Tyr463Ter (NM_000646.3); c.1236C>A, p.Tyr412Ter (NM_001425327.1); c.1233C>A, p.Tyr411Ter (NM_001425328.1, NM_001425329.1); c.1059C>A, p.Tyr353Ter (NM_001425332.1); short protein forms Y479*, Y463*, Y353*, Y411*, Y412*.
Identifiers: ClinVar variation 526564 (VCV000526564.9), dbSNP rs140095668, ClinGen allele CA27513135.

ClinVar aggregate classification (germline): Pathogenic/Likely pathogenic. Review status: criteria provided, multiple submitters, no conflicts (2 of 4 stars). 4 submissions from 4 submitters: Pathogenic (2); Likely pathogenic (2). Last evaluated 2025-07-30.

Conditions:
Glycogen storage disease type III (GSD3). Also called: Cori disease; FORBES DISEASE. Identifiers: Orphanet 366, MedGen C0017922, MONDO:0009291, OMIM 232400.

Allele frequency attached by ClinVar (database versions not stated): gnomAD exomes below 0.00001; TOPMed below 0.00001; ESP Exome Variant Server 0.00008.
gnomAD v4.1: 6 of 1,613,868 alleles (0.00037%); highest among the groups gnomAD compares: Non-Finnish European, 0.00051%; no homozygotes.

Submissions (4):

Labcorp Genetics (formerly Invitae), Labcorp
Classification: Pathogenic for Glycogen storage disease type III. Last evaluated: 2025-07-30. Review status: criteria provided, single submitter. Criteria: Invitae Variant Classification Sherloc (09022015). Collection method: clinical testing. Allele origin: germline.
Comment: This sequence change creates a premature translational stop signal (p.Tyr479*) in the AGL gene. It is expected to result in an absent or disrupted protein product. Loss-of-function variants in AGL are known to be pathogenic (PMID: 19299494). This variant is not present in population databases (gnomAD no frequency). This variant has not been reported in the literature in individuals affected with AGL-related conditions. ClinVar contains an entry for this variant (Variation ID: 526564). For these reasons, this variant has been classified as Pathogenic.

Genome-Nilou Lab
Classification: Likely pathogenic for Glycogen storage disease type III. Last evaluated: 2023-04-11. Review status: criteria provided, single submitter. Criteria: ACMG Guidelines, 2015. Collection method: clinical testing. Allele origin: germline. Affected: no.

Baylor Genetics
Classification: Pathogenic for Glycogen storage disease type III. Last evaluated: 2022-11-24. Review status: criteria provided, single submitter. Criteria: ACMG Guidelines, 2015. Collection method: clinical testing. Allele origin: unknown.

Women's Health and Genetics/Laboratory Corporation of America, LabCorp
Classification: Likely pathogenic for Glycogen storage disease type III. Last evaluated: 2022-08-26. Review status: criteria provided, single submitter. Criteria: LabCorp Variant Classification Summary - May 2015. Collection method: clinical testing. Allele origin: germline.
Comment: Variant summary: AGL c.1437C>A (p.Tyr479X) results in a premature termination codon, predicted to cause a truncation of the encoded protein or absence of the protein due to nonsense mediated decay, which are commonly known mechanisms for disease. Truncations downstream of this position have been classified as pathogenic by our laboratory. The variant was absent in 251230 control chromosomes. To our knowledge, no occurrence of c.1437C>A in individuals affected with Glycogen Storage Disease Type III and no experimental evidence demonstrating its impact on protein function have been reported. One clinical diagnostic laboratory has submitted clinical-significance assessments for this variant to ClinVar and classified it as pathogenic. Based on the evidence outlined above, the variant was classified as likely pathogenic.

Literature cited by the submitters: PubMed 19299494 (cited by Labcorp Genetics (formerly Invitae), Labcorp).